The following is an entry in ClinVar:

NM_000639.3(FASLG):c.71C>A (p.Ala24Asp)

Gene: FASLG (Fas ligand; plus strand). Cytogenetic location: 1q24.3.
Variant type: single nucleotide variant.
Coding change: c.71C>A on transcript NM_000639.3 (MANE Select); coding-DNA position 71, C replaced by A.
Protein change: p.Ala24Asp; replaces alanine 24 with aspartic acid.
Molecular consequence: missense variant.
Genome position (GRCh38, 1-based): chr1:172,659,272, C>A. VCF-style: chr1-172659272-C-A. GRCh37 (hg19) VCF-style: chr1-172628412-C-A.
Other names: c.71C>A, p.Ala24Asp (NM_001302746.2); short protein forms A24D.
Identifiers: ClinVar variation 4985031 (VCV004985031.1).
Genomic context (GRCh38, chr1:172,659,272, plus strand): 5'-CCTTCAATTACCCATATCCCCAGATCTACTGGGTGGACAGCAGTGCCAGCTCTCCCTGGG[C>A]CCCTCCAGGCACAGTTCTTCCCTGTCCAACCTCTGTGCCCAGAAGGCCTGGTCAAAGGAG-3'
Protein context (NP_000630.1, residues 14-34): WVDSSASSPW[Ala24Asp]PPGTVLPCPT

ClinVar aggregate classification (germline): Likely benign (1 of 4 stars; one submission).

Conditions:
FASLG-related disorder. Also called: FASLG-related condition.

gnomAD v4.1: 31 of 1,614,144 alleles (0.0019%); highest among the groups gnomAD compares: East Asian, 0.065%; no homozygotes.

Submission:

PreventionGenetics, part of Exact Sciences
Classification: Likely benign for FASLG-related condition. Last evaluated: 2025-01-03. Review status: criteria provided, single submitter. Criteria: ACMG Guidelines, 2015. Collection method: clinical testing. Allele origin: germline.
Comment: This variant is classified as likely benign based on ACMG/AMP sequence variant interpretation guidelines (Richards et al. 2015 PMID: 25741868, with internal and published modifications).